The following is an entry in ClinVar:

ClinVar aggregate classification (germline): Uncertain significance (1 of 4 stars; one submission).

gnomAD v4.1: 5 of 1,590,656 alleles (0.00031%); highest among the groups gnomAD compares: African/African-American, 0.0013%; no homozygotes.

Submission:

Labcorp Genetics (formerly Invitae), Labcorp
Classification: Uncertain significance. Last evaluated: 2025-12-26. Review status: criteria provided, single submitter. Criteria: Invitae Variant Classification Sherloc (09022015). Collection method: clinical testing. Allele origin: germline.
Comment: This sequence change replaces alanine, which is neutral and non-polar, with valine, which is neutral and non-polar, at codon 335 of the TCIRG1 protein (p.Ala335Val). This variant is not present in population databases (gnomAD no frequency). This variant has not been reported in the literature in individuals affected with TCIRG1-related conditions. Invitae Evidence Modeling of protein sequence and biophysical properties (such as structural, functional, and spatial information, amino acid conservation, physicochemical variation, residue mobility, and thermodynamic stability) indicates that this missense variant is not expected to disrupt TCIRG1 protein function with a negative predictive value of 80%. In summary, the available evidence is currently insufficient to determine the role of this variant in disease. Therefore, it has been classified as a Variant of Uncertain Significance.

NM_006019.4(TCIRG1):c.1004C>T (p.Ala335Val)

Gene: TCIRG1 (T cell immune regulator 1, ATPase H+ transporting V0 subunit a3; plus strand). Cytogenetic location: 11q13.2.
Variant type: single nucleotide variant.
Coding change: c.1004C>T on transcript NM_006019.4 (MANE Select); coding-DNA position 1004, C replaced by T.
Protein change: p.Ala335Val; replaces alanine 335 with valine.
Molecular consequence: missense variant. On other transcripts: intron variant (4).
Genome position (GRCh38, 1-based): chr11:68,044,328, C>T. VCF-style: chr11-68044328-C-T. GRCh37 (hg19) VCF-style: chr11-67811795-C-T.
Other names: c.110C>T, p.Ala37Val (NM_001351059.2); c.1004C>T, p.Ala335Val (NM_001440552.1, NM_001440553.1, NM_001440554.1 and 2 more transcripts); c.962C>T, p.Ala321Val (NM_001440555.1, NM_001440556.1, NM_001440563.1); c.791C>T, p.Ala264Val (NM_001440561.1, NM_001440562.1, NM_001440566.1 and 1 more transcripts); c.749C>T, p.Ala250Val (NM_001440564.1); c.704C>T, p.Ala235Val (NM_001440565.1); c.356C>T, p.Ala119Val (NM_006053.4); c.807+421C>T (NM_001440559.1, NM_001440560.1); and 2 more; short protein forms A119V, A235V, A335V, A250V, A264V, A321V, A37V.
Identifiers: ClinVar variation 4748736 (VCV004748736.1).
Genomic context (GRCh38, chr11:68,044,328, plus strand): 5'-ACAAGTGCCTCATTGCCGAGGCCTGGTGCTCTGTGCGAGACCTGCCCGCCCTGCAGGAGG[C>T]CCTGCGGGACAGCTCGGTGAGCAGCCTGAGGCCTCGCCCCCTCTCCGCCCGCCCCTCCTA-3'
Protein context (NP_006010.2, residues 325-345): SVRDLPALQE[Ala335Val]LRDSSMEEGV